The following is an entry in ClinVar:

ClinVar aggregate classification (germline): Uncertain significance (1 of 4 stars; one submission).

Conditions:
MOGS-congenital disorder of glycosylation. Also called: CDG IIb; MOGS-CDG; CDG 2B; GLUCOSIDASE I DEFICIENCY. Identifiers: Orphanet 79330, MedGen C1853736, MONDO:0011629, OMIM 606056.

Submission:

Labcorp Genetics (formerly Invitae), Labcorp
Classification: Uncertain significance for MOGS-congenital disorder of glycosylation. Last evaluated: 2022-07-23. Review status: criteria provided, single submitter. Criteria: Invitae Variant Classification Sherloc (09022015). Collection method: clinical testing. Allele origin: germline.
Comment: This sequence change replaces glutamine, which is neutral and polar, with proline, which is neutral and non-polar, at codon 684 of the MOGS protein (p.Gln684Pro). In summary, the available evidence is currently insufficient to determine the role of this variant in disease. Therefore, it has been classified as a Variant of Uncertain Significance. Algorithms developed to predict the effect of missense changes on protein structure and function are either unavailable or do not agree on the potential impact of this missense change (SIFT: "Deleterious"; PolyPhen-2: "Probably Damaging"; Align-GVGD: "Class C0"). This variant has not been reported in the literature in individuals affected with MOGS-related conditions. This variant is not present in population databases (gnomAD no frequency).

NM_006302.3(MOGS):c.2051A>C (p.Gln684Pro)

Gene: MOGS (mannosyl-oligosaccharide glucosidase; minus strand). Cytogenetic location: 2p13.1.
Variant type: single nucleotide variant.
Coding change: c.2051A>C on transcript NM_006302.3 (MANE Select); coding-DNA position 2051, A replaced by C.
Protein change: p.Gln684Pro; replaces glutamine 684 with proline.
Molecular consequence: missense variant.
Genome position (GRCh38, 1-based): chr2:74,461,738, T>G on the plus strand (A>C on the coding strand, the complement: MOGS is on the minus strand). VCF-style: chr2-74461738-T-G. GRCh37 (hg19) VCF-style: chr2-74688865-T-G.
Other names: c.1733A>C, p.Gln578Pro (NM_001146158.2); short protein forms Q684P, Q578P.
Identifiers: ClinVar variation 2071337 (VCV002071337.4), dbSNP rs2103976932, ClinGen allele CA347368316.